The following is an entry in ClinVar:

ClinVar aggregate classification (germline): Uncertain significance (1 of 4 stars; one submission).

Allele frequency attached by ClinVar (database versions not stated): gnomAD 0.00001.
gnomAD v4.1: 1 of 1,608,588 alleles (0.000062%); highest among the groups gnomAD compares: Non-Finnish European, 0.000085%; no homozygotes.

Submission:

GeneDx
Classification: Uncertain significance. Last evaluated: 2022-03-28. Review status: criteria provided, single submitter. Criteria: GeneDx Variant Classification Process June 2021. Collection method: clinical testing. Allele origin: germline. Affected: yes.
Comment: Not observed at significant frequency in large population cohorts (gnomAD); In silico analysis supports a deleterious effect on splicing; Has not been previously published as pathogenic or benign to our knowledge

NM_021956.5(GRIK2):c.951G>A (p.Thr317=)

Gene: GRIK2 (glutamate ionotropic receptor kainate type subunit 2; plus strand). Cytogenetic location: 6q16.3.
Variant type: single nucleotide variant.
Coding change: c.951G>A on transcript NM_021956.5 (MANE Select); coding-DNA position 951, G replaced by A.
Protein change: p.Thr317=; no amino-acid change (threonine 317 retained).
Molecular consequence: synonymous variant.
Genome position (GRCh38, 1-based): chr6:101,686,353, G>A. VCF-style: chr6-101686353-G-A. GRCh37 (hg19) VCF-style: chr6-102134228-G-A.
Other names: c.951G>A, p.Thr317= (NM_001166247.1, NM_175768.3).
Identifiers: ClinVar variation 1712583 (VCV001712583.2), dbSNP rs1372206224, ClinGen allele CA451504299.